The following is an entry in ClinVar:

ClinVar aggregate classification (germline): Uncertain significance (1 of 4 stars; one submission).

Submission:

Labcorp Genetics (formerly Invitae), Labcorp
Classification: Uncertain significance. Last evaluated: 2025-07-13. Review status: criteria provided, single submitter. Criteria: Invitae Variant Classification Sherloc (09022015). Collection method: clinical testing. Allele origin: germline.
Comment: This sequence change replaces serine, which is neutral and polar, with glycine, which is neutral and non-polar, at codon 438 of the KLHL7 protein (p.Ser438Gly). This variant is not present in population databases (gnomAD no frequency). This variant has not been reported in the literature in individuals affected with KLHL7-related conditions. An algorithm developed to predict the effect of missense changes on protein structure and function (PolyPhen-2) suggests that this variant is likely to be tolerated. In summary, the available evidence is currently insufficient to determine the role of this variant in disease. Therefore, it has been classified as a Variant of Uncertain Significance.

NM_001031710.3(KLHL7):c.1312A>G (p.Ser438Gly)

Gene: KLHL7 (kelch like family member 7; plus strand). Cytogenetic location: 7p15.3.
Variant type: single nucleotide variant.
Coding change: c.1312A>G on transcript NM_001031710.3 (MANE Select); coding-DNA position 1312, A replaced by G.
Protein change: p.Ser438Gly; replaces serine 438 with glycine.
Molecular consequence: missense variant. On other transcripts: non-coding transcript variant (1).
Genome position (GRCh38, 1-based): chr7:23,167,970, A>G. VCF-style: chr7-23167970-A-G. GRCh37 (hg19) VCF-style: chr7-23207589-A-G.
Other names: c.1168A>G, p.Ser390Gly (NM_018846.5); short protein forms S390G, S438G.
Identifiers: ClinVar variation 4722805 (VCV004722805.1).
Genomic context (GRCh38, chr7:23,167,970, plus strand): 5'-ACCCAGCGCTGCAGCCATGGGATGGTGGAAGCCAATGGCCTAATCTATGTTTGTGGTGGA[A>G]GTTTAGGAAACAATGTTTCTGGGAGAGTGCTTAATTCCTGTGAAGTTTATGATCCTGCCA-3'
Protein context (NP_001026880.2, residues 428-448): ANGLIYVCGG[Ser438Gly]LGNNVSGRVL